The following is an entry in ClinVar:

ClinVar aggregate classification (germline): Likely pathogenic (1 of 4 stars; one submission).

Conditions:
Familial thoracic aortic aneurysm and aortic dissection (TAAD). Also called: Thoracic aortic aneurysms and dissections. Identifiers: Orphanet 91387, MedGen C4707243, MONDO:0019625.

Submission:

Ambry Genetics
Classification: Likely pathogenic for Familial thoracic aortic aneurysm and aortic dissection. Last evaluated: 2026-08-17. Review status: criteria provided, single submitter. Criteria: Ambry Variant Classification Scheme 2023. Collection method: clinical testing. Allele origin: germline.
Comment: The p.C1361F variant (also known as c.4082G>T), located in coding exon 32 of the FBN1 gene, results from a G to T substitution at nucleotide position 4082. The cysteine at codon 1361 is replaced by phenylalanine, an amino acid with highly dissimilar properties. The majority of FBN1 mutations identified to date have involved the substitution or generation of cysteine residues within cbEGF domains (Vollbrandt T et al. J Biol Chem. 2004;279(31):32924-32931). Internal structural analysis indicates this alteration eliminates a disulfide bond critical for the structural integrity of the cbEGF18 domain (Ambry internal data). This variant was reported in individual(s) with features consistent with Marfan syndrome (Ambry internal data). This amino acid position is highly conserved in available vertebrate species. In addition, this alteration is predicted to be deleterious by in silico analysis. This variant is considered to be rare based on population cohorts in the Genome Aggregation Database (gnomAD). Based on the majority of available evidence to date, this variant is likely to be pathogenic.

NM_000138.5(FBN1):c.4082G>T (p.Cys1361Phe)

Gene: FBN1 (fibrillin 1; minus strand). Cytogenetic location: 15q21.1.
Variant type: single nucleotide variant.
Coding change: c.4082G>T on transcript NM_000138.5 (MANE Select); coding-DNA position 4082, G replaced by T.
Protein change: p.Cys1361Phe; replaces cysteine 1361 with phenylalanine.
Molecular consequence: missense variant.
Genome position (GRCh38, 1-based): chr15:48,474,533, C>A on the plus strand (G>T on the coding strand, the complement: FBN1 is on the minus strand). VCF-style: chr15-48474533-C-A. GRCh37 (hg19) VCF-style: chr15-48766730-C-A.
Other names: c.4082G>T, p.Cys1361Phe (NM_001406716.1); short protein forms C1361F.
Identifiers: ClinVar variation 5021597 (VCV005021597.1).
Genomic context (GRCh38, chr15:48,474,533, plus strand): 5'-ATATGTGTAATCTATGCAGTCCTTGATAAGCAACCTCTGTTACTTTCCTACTCACCAGTG[C>A]ACTTAATGCCATCTCCAATCCACCCGGGACTGCAGCTACATTTGAAGCTTCCTGCTGTAT-3'
Protein context (NP_000129.3, residues 1351-1371): SPGWIGDGIK[Cys1361Phe]TDLDECSNGT